The following is an entry in ClinVar:

NM_020458.4(TTC7A):c.497C>T (p.Ser166Leu)

Gene: TTC7A (tetratricopeptide repeat domain 7A; plus strand). Cytogenetic location: 2p21.
Variant type: single nucleotide variant.
Coding change: c.497C>T on transcript NM_020458.4 (MANE Select); coding-DNA position 497, C replaced by T.
Protein change: p.Ser166Leu; replaces serine 166 with leucine.
Molecular consequence: missense variant. On other transcripts: 5 prime UTR variant (1).
Genome position (GRCh38, 1-based): chr2:46,956,987, C>T. VCF-style: chr2-46956987-C-T. GRCh37 (hg19) VCF-style: chr2-47184126-C-T.
Other names: c.497C>T (NM_020458.2); c.497C>T, p.Ser166Leu (NM_001288951.2); c.395C>T, p.Ser132Leu (NM_001288953.2); c.-408C>T (NM_001288955.2); short protein forms S132L, S166L.
Identifiers: ClinVar variation 932564 (VCV000932564.42), dbSNP rs752931401, ClinGen allele CA1647180.
Genomic context (GRCh38, chr2:46,956,987, plus strand): 5'-GGGCCGGGATTGATGACATGTCCATGGAGAACAAGCCCCTGTATCAGATGCGGCTGCTGT[C>T]GGAGGCTTTTGTCATCAAAGGTAGCTGTGGGCACCAGCCTGGGCTCCCCTCCACTGTGTG-3'
Protein context (NP_065191.2, residues 156-176): NKPLYQMRLL[Ser166Leu]EAFVIKGLSL

ClinVar aggregate classification (germline): Uncertain significance. Review status: criteria provided, multiple submitters, no conflicts (2 of 4 stars). 3 submissions from 3 submitters: Uncertain significance (3). Last evaluated 2025-07-16.

Conditions:
Inborn genetic diseases. Identifiers: MedGen C0950123, MeSH D030342.
Multiple gastrointestinal atresias. Also called: Multiple intestinal atresia; FAMILIAL INTESTINAL POLYATRESIA SYNDROME. Identifiers: Orphanet 2300, MedGen C0220744, MONDO:0009465.

Allele frequency attached by ClinVar (database versions not stated): ExAC 0.00002; gnomAD 0.00002; gnomAD exomes 0.00002 and 0.00003; TOPMed 0.00002.
gnomAD v4.1: 45 of 1,614,018 alleles (0.0028%); highest among the groups gnomAD compares: East Asian, 0.0045%; no homozygotes.

Submissions (3):

Ambry Genetics
Classification: Uncertain significance for Inborn genetic diseases. Last evaluated: 2025-07-16. Review status: criteria provided, single submitter. Criteria: Ambry Variant Classification Scheme 2023. Collection method: clinical testing. Allele origin: germline.

Labcorp Genetics (formerly Invitae), Labcorp
Classification: Uncertain significance for Multiple gastrointestinal atresias. Last evaluated: 2024-03-28. Review status: criteria provided, single submitter. Criteria: Invitae Variant Classification Sherloc (09022015). Collection method: clinical testing. Allele origin: germline.
Comment: This sequence change replaces serine, which is neutral and polar, with leucine, which is neutral and non-polar, at codon 166 of the TTC7A protein (p.Ser166Leu). This variant is present in population databases (rs752931401, gnomAD 0.006%). This variant has not been reported in the literature in individuals affected with TTC7A-related conditions. ClinVar contains an entry for this variant (Variation ID: 932564). Advanced modeling of protein sequence and biophysical properties (such as structural, functional, and spatial information, amino acid conservation, physicochemical variation, residue mobility, and thermodynamic stability) performed at Invitae indicates that this missense variant is not expected to disrupt TTC7A protein function with a negative predictive value of 80%. In summary, the available evidence is currently insufficient to determine the role of this variant in disease. Therefore, it has been classified as a Variant of Uncertain Significance.

CeGaT Center for Human Genetics Tuebingen
Classification: Uncertain significance. Last evaluated: 2023-11-01. Review status: criteria provided, single submitter. Criteria: CeGaT Center For Human Genetics Tuebingen Variant Classification Criteria Version 2. Collection method: clinical testing. Allele origin: germline. Affected: yes. Observed: 2 variant alleles.
Comment: TTC7A: PM2, BP4